The following is an entry in ClinVar:

ClinVar aggregate classification (germline): Benign. Review status: criteria provided, multiple submitters, no conflicts (2 of 4 stars). 5 submissions from 5 submitters: Benign (5). Last evaluated 2026-02-04.

Allele frequency attached by ClinVar (database versions not stated): 1000 Genomes Project 0.18111; 1000 Genomes Project 30x 0.18285; TOPMed 0.23197; ESP Exome Variant Server 0.23920; gnomAD 0.24075 and 0.24440; ExAC 0.25989; gnomAD exomes 0.26446 and 0.29780.
gnomAD v4.1: 469,571 of 1,612,102 alleles (29%); highest among the groups gnomAD compares: Admixed American, 33%; 73,031 homozygotes.

Submissions (5):

Labcorp Genetics (formerly Invitae), Labcorp
Classification: Benign. Last evaluated: 2026-02-04. Review status: criteria provided, single submitter. Criteria: Invitae Variant Classification Sherloc (09022015). Collection method: clinical testing. Allele origin: germline.

Blueprint Genetics
Classification: Benign. Last evaluated: 2024-11-27. Review status: criteria provided, single submitter. Criteria: ACMG Guidelines, 2015. Collection method: clinical testing. Allele origin: germline.

Unidad de Genómica Garrahan, Hospital de Pediatría Garrahan
Classification: Benign. Last evaluated: 2024-07-15. Review status: criteria provided, single submitter. Criteria: ACMG Guidelines, 2015. Collection method: clinical testing. Allele origin: germline. Affected: no. Observed: 53 variant alleles.
Comment: This variant is classified as Benign based on local population frequency. This variant was detected in 57% of patients studied in a panel designed for Epileptic and Developmental Encephalopathy and Progressive Myoclonus Epilepsy. Number of patients: 53. Only high quality variants are reported.

GeneDx
Classification: Benign. Last evaluated: 2019-12-18. Review status: criteria provided, single submitter. Criteria: GeneDx Variant Classification Process June 2021. Collection method: clinical testing. Allele origin: germline. Affected: yes.

Breakthrough Genomics
Classification: Benign. Review status: criteria provided, single submitter. Criteria: ACMG Guidelines, 2015. Collection method: not provided. Allele origin: germline. Inheritance: Autosomal recessive inheritance. Affected: yes.

NM_020401.4(NUP107):c.303+15A>G

Gene: NUP107 (nucleoporin 107; plus strand). Cytogenetic location: 12q15.
Variant type: single nucleotide variant.
Coding change: c.303+15A>G on transcript NM_020401.4 (MANE Select); 15 bases into the intron after coding-DNA position 303, A replaced by G.
Molecular consequence: intron variant.
Genome position (GRCh38, 1-based): chr12:68,690,761, A>G. VCF-style: chr12-68690761-A-G. GRCh37 (hg19) VCF-style: chr12-69084541-A-G.
Other names: c.216+15A>G (NM_001330192.2).
Identifiers: ClinVar variation 1288279 (VCV001288279.14), dbSNP rs11608404, ClinGen allele CA6677369.